The following is an entry in ClinVar:

NM_013450.4(BAZ2B):c.6427G>A (p.Asp2143Asn)

Gene: BAZ2B (bromodomain adjacent to zinc finger domain 2B; minus strand). Cytogenetic location: 2q24.2.
Variant type: single nucleotide variant.
Coding change: c.6427G>A on transcript NM_013450.4 (MANE Select); coding-DNA position 6427, G replaced by A.
Protein change: p.Asp2143Asn; replaces aspartic acid 2143 with asparagine.
Molecular consequence: missense variant.
Genome position (GRCh38, 1-based): chr2:159,320,345, C>T on the plus strand (G>A on the coding strand, the complement: BAZ2B is on the minus strand). VCF-style: chr2-159320345-C-T. GRCh37 (hg19) VCF-style: chr2-160176856-C-T.
Other names: c.6319G>A, p.Asp2107Asn (NM_001289975.1); c.6370G>A, p.Asp2124Asn (NM_001329857.2); c.6352G>A, p.Asp2118Asn (NM_001329858.2); short protein forms D2107N, D2118N, D2124N, D2143N.
Identifiers: ClinVar variation 3367783 (VCV003367783.1).

ClinVar aggregate classification (germline): Uncertain significance (1 of 4 stars; one submission).

Submission:

GeneDx
Classification: Uncertain significance. Last evaluated: 2024-01-09. Review status: criteria provided, single submitter. Criteria: GeneDx Variant Classification Process June 2021. Collection method: clinical testing. Allele origin: germline. Affected: yes.
Comment: Not observed at significant frequency in large population cohorts (gnomAD); In silico analysis supports that this missense variant does not alter protein structure/function; Has not been previously published as pathogenic or benign to our knowledge; This variant is associated with the following publications: (PMID: 38000389)